The following is an entry in ClinVar:

ClinVar aggregate classification (germline): Pathogenic (1 of 4 stars; one submission).

Submission:

Labcorp Genetics (formerly Invitae), Labcorp
Classification: Pathogenic. Last evaluated: 2025-11-11. Review status: criteria provided, single submitter. Criteria: Invitae Variant Classification Sherloc (09022015). Collection method: clinical testing. Allele origin: germline.
Comment: This sequence change creates a premature translational stop signal (p.Lys230Ilefs*82) in the FRMD7 gene. It is expected to result in an absent or disrupted protein product. Loss-of-function variants in FRMD7 are known to be pathogenic (PMID: 17013395). This variant is not present in population databases (gnomAD no frequency). This variant has not been reported in the literature in individuals affected with FRMD7-related conditions. For these reasons, this variant has been classified as Pathogenic.

Literature cited by the submitters: PubMed 17013395.

NM_194277.3(FRMD7):c.689_710del (p.Lys230fs)

Gene: FRMD7 (FERM domain containing 7; minus strand). Cytogenetic location: Xq26.2.
Variant type: Deletion.
Coding change: c.689_710del on transcript NM_194277.3 (MANE Select); coding-DNA positions 689 to 710, 22 bases deleted (AGTTGAGTTTTAAGAGAAAGCA).
Protein change: p.Lys230fs; shifts the reading frame from lysine 230.
Molecular consequence: frameshift variant.
Genome position (GRCh38, 1-based): chrX:132,084,521-132,084,542, TGCTTTCTCTTAAAACTCAACT deleted on the plus strand (AGTTGAGTTTTAAGAGAAAGCA on the coding strand, the reverse complement: FRMD7 is on the minus strand); deleting any 22 consecutive bases within chrX:132,084,521-132,084,545 gives the same sequence; the c. name uses the placement nearest the transcript's 3' end. VCF-style (leftmost placement, unchanged base first): chrX-132084520-ATGCTTTCTCTTAAAACTCAACT-A. GRCh37 (hg19) VCF-style: chrX-131218548-ATGCTTTCTCTTAAAACTCAACT-A.
Other names: c.644_665del, p.Lys215fs (NM_001306193.2); short protein forms K230fs, K215fs.
Identifiers: ClinVar variation 4719910 (VCV004719910.1).
Genomic context (GRCh38, chrX:132,084,520, plus strand): 5'-AGTAAACGAATTTATTAGAAAGCTACTTACCAAGATATTGGCATGAAGTTTGATGAGAAA[ATGCTTTCTCTTAAAACTCAACT>A]TGCGGATTTTAGCCCAGTTAAAAGTATTGATCTTTGTATTTCCCTACAATGAAAAATGTG-3'